The following is an entry in ClinVar:

ClinVar aggregate classification (germline): Uncertain significance (1 of 4 stars; one submission).

Allele frequency attached by ClinVar (database versions not stated): gnomAD exomes below 0.00001; ExAC 0.00001; gnomAD 0.00001.
gnomAD v4.1: 5 of 1,613,984 alleles (0.00031%); highest among the groups gnomAD compares: Non-Finnish European, 0.00042%; no homozygotes.

Submissions (2):

Labcorp Genetics (formerly Invitae), Labcorp
Classification: Uncertain significance. Last evaluated: 2022-04-09. Review status: criteria provided, single submitter. Criteria: Invitae Variant Classification Sherloc (09022015). Collection method: clinical testing. Allele origin: germline.
Comment: This sequence change affects codon 511 of the ARMC9 mRNA. It is a 'silent' change, meaning that it does not change the encoded amino acid sequence of the ARMC9 protein. In summary, the available evidence is currently insufficient to determine the role of this variant in disease. Therefore, it has been classified as a Variant of Uncertain Significance. Algorithms developed to predict the effect of sequence changes on RNA splicing suggest that this variant may disrupt the consensus splice site. This variant has not been reported in the literature in individuals affected with ARMC9-related conditions. This variant is present in population databases (rs750286873, gnomAD 0.0009%).

Dr. Peter K. Rogan Lab, Western University
No classification provided (evidence only). Condition: Thyroid cancer, nonmedullary, 1. Review status: no classification provided. Collection method: in vitro. Allele origin: not applicable. Functional consequence: retained intron. Not counted in ClinVar's aggregate classification.

NM_001352754.2(ARMC9):c.1533T>A (p.Leu511=)

Gene: ARMC9 (armadillo repeat containing 9; plus strand). Cytogenetic location: 2q37.1.
Variant type: single nucleotide variant.
Coding change: c.1533T>A on transcript NM_001352754.2 (MANE Select); coding-DNA position 1533, T replaced by A.
Protein change: p.Leu511=; no amino-acid change (leucine 511 retained).
Molecular consequence: synonymous variant. On other transcripts: non-coding transcript variant (1).
Genome position (GRCh38, 1-based): chr2:231,278,440, T>A. VCF-style: chr2-231278440-T-A. GRCh37 (hg19) VCF-style: chr2-232143153-T-A.
Other names: c.1533T>A, p.Leu511= (NM_001271466.4, NM_001291656.2, NM_001352755.2 and 3 more transcripts); c.1434T>A, p.Leu478= (NM_001352757.2, NM_001352758.2).
Identifiers: ClinVar variation 1957931 (VCV001957931.6), dbSNP rs750286873, ClinGen allele CA2160366.